The following is an entry in ClinVar:

ClinVar aggregate classification (germline): Pathogenic (1 of 4 stars; one submission).

Conditions:
Intellectual developmental disorder, autosomal dominant 1. Also called: MBD5 Haploinsufficiency; Intellectual disability, autosomal dominant 1. Identifiers: Orphanet 228402, MedGen C1969562, MONDO:0007974, OMIM 156200.

Submission:

Institute of Human Genetics, University of Leipzig Medical Center
Classification: Pathogenic for Intellectual developmental disorder, autosomal dominant 1. Last evaluated: 2026-05-21. Review status: criteria provided, single submitter. Criteria: ACMG Guidelines, 2015. Collection method: clinical testing. Allele origin: unknown. Inheritance: Autosomal dominant inheritance. Affected: yes.
Comment: Criteria applied: PVS1,PM2

NM_001386298.1(CIC):c.5546_5570del (p.Gln1849fs)

Gene: CIC (capicua transcriptional repressor; plus strand). Cytogenetic location: 19q13.2.
Variant type: Deletion.
Coding change: c.5546_5570del on transcript NM_001386298.1 (MANE Select); coding-DNA positions 5546 to 5570, 25 bases deleted (AGCCACTGCCACTGGTGAGCCCGCC).
Protein change: p.Gln1849fs; shifts the reading frame from glutamine 1849.
Molecular consequence: frameshift variant.
Genome position (GRCh38, 1-based): chr19:42,291,678-42,291,702, AGCCACTGCCACTGGTGAGCCCGCC deleted; deleting any 25 consecutive bases within chr19:42,291,675-42,291,702 gives the same sequence; the c. name uses the placement nearest the transcript's 3' end. VCF-style (leftmost placement, unchanged base first): chr19-42291674-GGCCAGCCACTGCCACTGGTGAGCCC-G. GRCh37 (hg19) VCF-style: chr19-42795826-GGCCAGCCACTGCCACTGGTGAGCCC-G.
Other names: c.5546_5570del, p.Gln1849fs (NM_001439186.1, NM_001439187.1, NM_001439188.1 and 6 more transcripts); c.2819_2843del, p.Gln940fs (NM_001439189.1, NM_001439190.1, NM_001439191.1 and 3 more transcripts); short protein forms Q1849fs, Q940fs.
Identifiers: ClinVar variation 4857460 (VCV004857460.1).